The following is an entry in ClinVar:

NM_005591.4(MRE11):c.428T>G (p.Ile143Ser)

Gene: MRE11 (MRE11 double strand break repair nuclease; minus strand). Cytogenetic location: 11q21.
Variant type: single nucleotide variant.
Coding change: c.428T>G on transcript NM_005591.4 (MANE Select); coding-DNA position 428, T replaced by G.
Protein change: p.Ile143Ser; replaces isoleucine 143 with serine.
Molecular consequence: missense variant.
Genome position (GRCh38, 1-based): chr11:94,478,851, A>C on the plus strand (T>G on the coding strand, the complement: MRE11 is on the minus strand). VCF-style: chr11-94478851-A-C. GRCh37 (hg19) VCF-style: chr11-94212017-A-C.
Other names: c.428T>G, p.Ile143Ser (NM_001330347.2, NM_005590.4); short protein forms I143S.
Identifiers: ClinVar variation 1799858 (VCV001799858.5), dbSNP rs2496557350, ClinGen allele CA382377736.

ClinVar aggregate classification (germline): Uncertain significance. Review status: criteria provided, multiple submitters, no conflicts (2 of 4 stars). 2 submissions from 2 submitters: Uncertain significance (2). Last evaluated 2023-04-14.

Conditions:
Ataxia-telangiectasia-like disorder (ATLD). Identifiers: MedGen C1858391, MONDO:0011457.
Hereditary cancer-predisposing syndrome. Also called: Neoplastic Syndromes, Hereditary; Tumor predisposition; Hereditary Cancer Syndrome; Hereditary neoplastic syndrome. Identifiers: Orphanet 140162, MedGen C0027672, MeSH D009386, MONDO:0015356.

Submissions (2):

Labcorp Genetics (formerly Invitae), Labcorp
Classification: Uncertain significance for Ataxia-telangiectasia-like disorder. Last evaluated: 2023-04-14. Review status: criteria provided, single submitter. Criteria: Invitae Variant Classification Sherloc (09022015). Collection method: clinical testing. Allele origin: germline.
Comment: In summary, the available evidence is currently insufficient to determine the role of this variant in disease. Therefore, it has been classified as a Variant of Uncertain Significance. An algorithm developed to predict the effect of missense changes on protein structure and function (PolyPhen-2) suggests that this variant is likely to be disruptive. ClinVar contains an entry for this variant (Variation ID: 1799858). This variant has not been reported in the literature in individuals affected with MRE11-related conditions. This variant is not present in population databases (gnomAD no frequency). This sequence change replaces isoleucine, which is neutral and non-polar, with serine, which is neutral and polar, at codon 143 of the MRE11 protein (p.Ile143Ser).

Ambry Genetics
Classification: Uncertain significance for Hereditary cancer-predisposing syndrome. Last evaluated: 2021-08-17. Review status: criteria provided, single submitter. Criteria: Ambry Variant Classification Scheme 2023. Collection method: clinical testing. Allele origin: germline.
Comment: The p.I143S variant (also known as c.428T>G), located in coding exon 5 of the MRE11A gene, results from a T to G substitution at nucleotide position 428. The isoleucine at codon 143 is replaced by serine, an amino acid with dissimilar properties. This amino acid position is conserved. In addition, this alteration is predicted to be deleterious by in silico analysis. Since supporting evidence is limited at this time, the clinical significance of this alteration remains unclear.